The following is an entry in ClinVar:

NM_001379500.1(COL18A1):c.1896+1G>C

Gene: COL18A1 (collagen type XVIII alpha 1 chain; plus strand). Cytogenetic location: 21q22.3.
Variant type: single nucleotide variant.
Coding change: c.1896+1G>C on transcript NM_001379500.1 (MANE Select); the canonical splice donor site of the intron after coding-DNA position 1896, G replaced by C.
Molecular consequence: splice donor variant.
Genome position (GRCh38, 1-based): chr21:45,487,510, G>C. VCF-style: chr21-45487510-G-C. GRCh37 (hg19) VCF-style: chr21-46907424-G-C.
Other names: c.3141+1G>C (NM_130444.3); c.2436+1G>C (NM_030582.4).
Identifiers: ClinVar variation 3673365 (VCV003673365.2).

ClinVar aggregate classification (germline): Likely pathogenic (1 of 4 stars; one submission).

Submission:

Labcorp Genetics (formerly Invitae), Labcorp
Classification: Likely pathogenic. Last evaluated: 2024-08-29. Review status: criteria provided, single submitter. Criteria: Invitae Variant Classification Sherloc (09022015). Collection method: clinical testing. Allele origin: germline.
Comment: This sequence change affects a donor splice site in intron 17 of the COL18A1 gene. It is expected to disrupt RNA splicing. Variants that disrupt the donor or acceptor splice site typically lead to a loss of protein function (PMID: 16199547), and loss-of-function variants in COL18A1 are known to be pathogenic (PMID: 12415512, 25456301). This variant is not present in population databases (gnomAD no frequency). This variant has not been reported in the literature in individuals affected with COL18A1-related conditions. Algorithms developed to predict the effect of sequence changes on RNA splicing suggest that this variant may disrupt the consensus splice site. In summary, the currently available evidence indicates that the variant is pathogenic, but additional data are needed to prove that conclusively. Therefore, this variant has been classified as Likely Pathogenic.

Literature cited by the submitters: PubMed 16199547; PubMed 12415512; PubMed 25456301.